The following is an entry in ClinVar:

NM_016599.5(MYOZ2):c.247-3C>T

Gene: MYOZ2 (myozenin 2; plus strand). Cytogenetic location: 4q26.
Variant type: single nucleotide variant.
Coding change: c.247-3C>T on transcript NM_016599.5 (MANE Select); 3 bases into the intron before coding-DNA position 247, C replaced by T.
Molecular consequence: intron variant.
Genome position (GRCh38, 1-based): chr4:119,158,019, C>T. VCF-style: chr4-119158019-C-T. GRCh37 (hg19) VCF-style: chr4-120079174-C-T.
Identifiers: ClinVar variation 219286 (VCV000219286.13), dbSNP rs774202003, ClinGen allele CA339718.

ClinVar aggregate classification (germline): Conflicting classifications of pathogenicity. Review status: criteria provided, conflicting classifications (1 of 4 stars). 5 submissions from 5 submitters: Uncertain significance (4); Likely benign (1). Last evaluated 2026-09-18.

Conditions:
MYOZ2-related disorder. Also called: MYOZ2-related condition.
Cardiovascular phenotype. Identifiers: MedGen CN230736.
Hypertrophic cardiomyopathy. Also called: HYPERTROPHIC MYOCARDIOPATHY. Identifiers: Orphanet 217569, MedGen C0007194, MeSH D002312, MONDO:0005045, HP:0001639.

Allele frequency attached by ClinVar (database versions not stated): gnomAD 0.00001; gnomAD exomes 0.00001 and 0.00003; TOPMed 0.00004; ExAC 0.00001.
gnomAD v4.1: 38 of 1,613,808 alleles (0.0024%); highest among the groups gnomAD compares: Non-Finnish European, 0.0031%; no homozygotes.

Submissions (5):

PreventionGenetics, part of Exact Sciences
Classification: Uncertain significance for MYOZ2-related condition. Last evaluated: 2026-09-18. Review status: criteria provided, single submitter. Criteria: ACMG Guidelines, 2015. Collection method: clinical testing. Allele origin: germline.

Women's Health and Genetics/Laboratory Corporation of America, LabCorp
Classification: Uncertain significance. Last evaluated: 2026-06-16. Review status: criteria provided, single submitter. Criteria: LabCorp Variant Classification Summary - May 2015. Collection method: clinical testing. Allele origin: germline.

Ambry Genetics
Classification: Uncertain significance for Cardiovascular phenotype. Last evaluated: 2025-07-03. Review status: criteria provided, single submitter. Criteria: Ambry Variant Classification Scheme 2023. Collection method: clinical testing. Allele origin: germline.
Comment: The c.247-3C>T intronic variant results from a C to T substitution 3 nucleotides upstream from coding exon 3 in the MYOZ2 gene. This nucleotide position is well conserved in available vertebrate species. In silico splice site analysis predicts that this alteration may weaken the native splice acceptor site. The evidence for this gene-disease relationship is limited; therefore, the clinical significance of this alteration is unclear.

Labcorp Genetics (formerly Invitae), Labcorp
Classification: Uncertain significance for Hypertrophic cardiomyopathy. Last evaluated: 2025-05-31. Review status: criteria provided, single submitter. Criteria: Invitae Variant Classification Sherloc (09022015). Collection method: clinical testing. Allele origin: germline.
Comment: This sequence change falls in intron 3 of the MYOZ2 gene. It does not directly change the encoded amino acid sequence of the MYOZ2 protein. It affects a nucleotide within the consensus splice site. This variant is present in population databases (rs774202003, gnomAD 0.002%). This variant has not been reported in the literature in individuals affected with MYOZ2-related conditions. ClinVar contains an entry for this variant (Variation ID: 219286). Variants that disrupt the consensus splice site are a relatively common cause of aberrant splicing (PMID: 17576681, 9536098). Algorithms developed to predict the effect of sequence changes on RNA splicing suggest that this variant is not likely to affect RNA splicing. In summary, the available evidence is currently insufficient to determine the role of this variant in disease. Therefore, it has been classified as a Variant of Uncertain Significance.

GeneDx
Classification: Likely benign. Last evaluated: 2015-04-27. Review status: criteria provided, single submitter. Criteria: GeneDx Variant Classification (06012015). Collection method: clinical testing. Allele origin: germline. Affected: yes.
Comment: This variant is considered likely benign or benign based on one or more of the following criteria: it is a conservative change, it occurs at a poorly conserved position in the protein, it is predicted to be benign by multiple in silico algorithms, and/or has population frequency not consistent with disease.

Literature cited by the submitters: PubMed 17576681 (cited by Labcorp Genetics (formerly Invitae), Labcorp); PubMed 9536098 (cited by Labcorp Genetics (formerly Invitae), Labcorp).